The following is an entry in ClinVar:

ClinVar aggregate classification (germline): Uncertain significance. Review status: criteria provided, multiple submitters, no conflicts (2 of 4 stars). 3 submissions from 3 submitters: Uncertain significance (3). Last evaluated 2023-11-13.

Conditions:
Familial cancer of breast. Also called: hereditary breast carcinoma; BREAST CANCER, FAMILIAL; Hereditary breast cancer. Identifiers: Orphanet 227535, MedGen C0346153, MONDO:0016419, OMIM 114480. Disease mechanism: loss of function.
Fanconi anemia complementation group J. Also called: BRIP1-Related Fanconi Anemia. Identifiers: Orphanet 84, MedGen C1836860, MONDO:0012187, OMIM 609054.
Hereditary cancer-predisposing syndrome. Also called: Hereditary Cancer Syndrome; Tumor predisposition; Neoplastic Syndromes, Hereditary; Hereditary neoplastic syndrome. Identifiers: Orphanet 140162, MedGen C0027672, MeSH D009386, MONDO:0015356.

Allele frequency attached by ClinVar (database versions not stated): gnomAD exomes below 0.00001.
gnomAD v4.1: 1 of 1,613,282 alleles (0.000062%); highest among the groups gnomAD compares: East Asian, 0.0022%; no homozygotes.

Submissions (3):

Labcorp Genetics (formerly Invitae), Labcorp
Classification: Uncertain significance for Familial cancer of breast; Fanconi anemia complementation group J. Last evaluated: 2023-11-13. Review status: criteria provided, single submitter. Criteria: Invitae Variant Classification Sherloc (09022015). Collection method: clinical testing. Allele origin: germline.
Comment: This sequence change replaces isoleucine, which is neutral and non-polar, with methionine, which is neutral and non-polar, at codon 391 of the BRIP1 protein (p.Ile391Met). This variant is present in population databases (no rsID available, gnomAD 0.006%). This variant has not been reported in the literature in individuals affected with BRIP1-related conditions. ClinVar contains an entry for this variant (Variation ID: 648696). Advanced modeling of protein sequence and biophysical properties (such as structural, functional, and spatial information, amino acid conservation, physicochemical variation, residue mobility, and thermodynamic stability) has been performed at Invitae for this missense variant, however the output from this modeling did not meet the statistical confidence thresholds required to predict the impact of this variant on BRIP1 protein function. In summary, the available evidence is currently insufficient to determine the role of this variant in disease. Therefore, it has been classified as a Variant of Uncertain Significance.

Ambry Genetics
Classification: Uncertain significance for Hereditary cancer-predisposing syndrome. Last evaluated: 2021-09-20. Review status: criteria provided, single submitter. Criteria: Ambry Variant Classification Scheme 2023. Collection method: clinical testing. Allele origin: germline.
Comment: The p.I391M variant (also known as c.1173T>G), located in coding exon 8 of the BRIP1 gene, results from a T to G substitution at nucleotide position 1173. The isoleucine at codon 391 is replaced by methionine, an amino acid with highly similar properties. This amino acid position is conserved. In addition, the in silico prediction for this alteration is inconclusive. Since supporting evidence is limited at this time, the clinical significance of this alteration remains unclear.

Color Diagnostics, LLC DBA Color Health
Classification: Uncertain significance for Hereditary cancer-predisposing syndrome. Last evaluated: 2019-04-24. Review status: criteria provided, single submitter. Criteria: ACMG Guidelines, 2015. Collection method: clinical testing. Allele origin: germline.

NM_032043.3(BRIP1):c.1173T>G (p.Ile391Met)

Gene: BRIP1 (BRCA1 interacting DNA helicase 1; minus strand). Cytogenetic location: 17q23.2.
Variant type: single nucleotide variant.
Coding change: c.1173T>G on transcript NM_032043.3 (MANE Select); coding-DNA position 1173, T replaced by G.
Protein change: p.Ile391Met; replaces isoleucine 391 with methionine.
Molecular consequence: missense variant.
Genome position (GRCh38, 1-based): chr17:61,799,267, A>C on the plus strand (T>G on the coding strand, the complement: BRIP1 is on the minus strand). VCF-style: chr17-61799267-A-C. GRCh37 (hg19) VCF-style: chr17-59876628-A-C.
Other names: short protein forms I391M.
Identifiers: ClinVar variation 648696 (VCV000648696.16), dbSNP rs1427603031, ClinGen allele CA400483766.